The following is an entry in ClinVar:

ClinVar aggregate classification (germline): Uncertain significance. Review status: criteria provided, multiple submitters, no conflicts (2 of 4 stars). 2 submissions from 2 submitters: Uncertain significance (2). Last evaluated 2025-01-13.

Allele frequency attached by ClinVar (database versions not stated): ExAC 0.00002; gnomAD exomes 0.00003 and 0.00004; gnomAD 0.00006; TOPMed 0.00006.
gnomAD v4.1: 59 of 1,585,862 alleles (0.0037%); highest among the groups gnomAD compares: Middle Eastern, 0.017%; no homozygotes.

Submissions (2):

Labcorp Genetics (formerly Invitae), Labcorp
Classification: Uncertain significance. Last evaluated: 2025-01-13. Review status: criteria provided, single submitter. Criteria: Invitae Variant Classification Sherloc (09022015). Collection method: clinical testing. Allele origin: germline.
Comment: This sequence change replaces valine, which is neutral and non-polar, with isoleucine, which is neutral and non-polar, at codon 844 of the HPS3 protein (p.Val844Ile). This variant is present in population databases (rs758569835, gnomAD 0.01%). This variant has not been reported in the literature in individuals affected with HPS3-related conditions. ClinVar contains an entry for this variant (Variation ID: 1431565). Invitae Evidence Modeling of protein sequence and biophysical properties (such as structural, functional, and spatial information, amino acid conservation, physicochemical variation, residue mobility, and thermodynamic stability) indicates that this missense variant is not expected to disrupt HPS3 protein function with a negative predictive value of 80%. In summary, the available evidence is currently insufficient to determine the role of this variant in disease. Therefore, it has been classified as a Variant of Uncertain Significance.

Women's Health and Genetics/Laboratory Corporation of America, LabCorp
Classification: Uncertain significance. Last evaluated: 2024-07-09. Review status: criteria provided, single submitter. Criteria: LabCorp Variant Classification Summary - May 2015. Collection method: clinical testing. Allele origin: germline.
Comment: Variant summary: HPS3 c.2530G>A (p.Val844Ile) results in a conservative amino acid change located in the C-terminal domain (IPR029438) of the encoded protein sequence. Five of five in-silico tools predict a benign effect of the variant on protein function. The variant allele was found at a frequency of 4.4e-05 in 250322 control chromosomes. This frequency is not significantly higher than estimated for a pathogenic variant in HPS3 causing Hermansky-Pudlak Syndrome (4.4e-05 vs 0.00055), allowing no conclusion about variant significance. To our knowledge, no occurrence of c.2530G>A in individuals affected with Hermansky-Pudlak Syndrome and no experimental evidence demonstrating its impact on protein function have been reported. ClinVar contains an entry for this variant (Variation ID: 1431565). Based on the evidence outlined above, the variant was classified as uncertain significance.

NM_032383.5(HPS3):c.2530G>A (p.Val844Ile)

Genes: CP (ceruloplasmin; minus strand), HPS3 (HPS3 biogenesis of lysosomal organelles complex 2 subunit 1; plus strand). Cytogenetic location: 3q24.
Variant type: single nucleotide variant.
Coding change: c.2530G>A on transcript NM_032383.5 (MANE Select); coding-DNA position 2530, G replaced by A.
Protein change: p.Val844Ile; replaces valine 844 with isoleucine.
Molecular consequence: missense variant.
Genome position (GRCh38, 1-based): chr3:149,163,890, G>A. VCF-style: chr3-149163890-G-A. GRCh37 (hg19) VCF-style: chr3-148881677-G-A.
Other names: c.2035G>A, p.Val679Ile (NM_001308258.2); short protein forms V679I, V844I.
Identifiers: ClinVar variation 1431565 (VCV001431565.5), dbSNP rs758569835, ClinGen allele CA2660388.